The following is an entry in ClinVar:

NM_001128425.2(MUTYH):c.185C>G (p.Pro62Arg)

Gene: MUTYH (mutY DNA glycosylase; minus strand). Cytogenetic location: 1p34.1.
Variant type: single nucleotide variant.
Coding change: c.185C>G on transcript NM_001128425.2 (MANE Plus Clinical); coding-DNA position 185, C replaced by G.
Protein change: p.Pro62Arg; replaces proline 62 with arginine.
Molecular consequence: missense variant. On other transcripts: intron variant (10).
Genome position (GRCh38, 1-based): chr1:45,333,576, G>C on the plus strand (C>G on the coding strand, the complement: MUTYH is on the minus strand). VCF-style: chr1-45333576-G-C. GRCh37 (hg19) VCF-style: chr1-45799248-G-C.
Other names: c.134C>G, p.Pro45Arg (NM_001293191.2); c.176C>G, p.Pro59Arg (NM_012222.3); c.-92-79C>G (NM_001350651.2); c.-97-79C>G (NM_001293192.2, NM_001293196.2); c.-156-15C>G (NM_001350650.2); c.116-15C>G (NM_001048171.2, NM_001048173.2, NM_001048174.2 and 1 more transcripts); c.158-12C>G (NM_001293190.2); c.116-12C>G (NM_001048172.2); short protein forms P59R, P45R, P62R.
Identifiers: ClinVar variation 657479 (VCV000657479.8), dbSNP rs1570446625, ClinGen allele CA340136771.
Genomic context (GRCh38, chr1:45,333,576, plus strand): 5'-GAGACAGAGGCCTGCAATACCACCTCTTCCGGCTGCCTGGCCAGGCCTGCTGGGGCCCCA[G>C]GACACTCAGCAATCATCCCTGCACAGGCTGTGCATCAGGGTCTTGGGACACAGCAGCCTG-3'
Protein context (NP_001121897.1, residues 52-72): DACAGMIAEC[Pro62Arg]GAPAGLARQP

ClinVar aggregate classification (germline): Uncertain significance (1 of 4 stars; one submission).

Conditions:
Familial adenomatous polyposis 2. Also called: COLORECTAL ADENOMATOUS POLYPOSIS, AUTOSOMAL RECESSIVE; ADENOMAS, MULTIPLE COLORECTAL, AUTOSOMAL RECESSIVE; MYH-associated polyposis; MUTYH Polyposis; Adenomas, multiple colorectal; MUTYH-associated polyposis. Identifiers: Orphanet 220460, Orphanet 247798, MedGen C3272841, MONDO:0012041, OMIM 608456.

Submission:

Labcorp Genetics (formerly Invitae), Labcorp
Classification: Uncertain significance for Familial adenomatous polyposis 2. Last evaluated: 2024-02-17. Review status: criteria provided, single submitter. Criteria: Invitae Variant Classification Sherloc (09022015). Collection method: clinical testing. Allele origin: germline.
Comment: This sequence change replaces proline, which is neutral and non-polar, with arginine, which is basic and polar, at codon 62 of the MUTYH protein (p.Pro62Arg). This variant is not present in population databases (gnomAD no frequency). This variant has not been reported in the literature in individuals affected with MUTYH-related conditions. ClinVar contains an entry for this variant (Variation ID: 657479). An algorithm developed to predict the effect of missense changes on protein structure and function (PolyPhen-2) suggests that this variant is likely to be tolerated. In summary, the available evidence is currently insufficient to determine the role of this variant in disease. Therefore, it has been classified as a Variant of Uncertain Significance.